The following is an entry in ClinVar:

NM_000094.4(COL7A1):c.6846G>A (p.Leu2282=)

Gene: COL7A1 (collagen type VII alpha 1 chain; minus strand). Cytogenetic location: 3p21.31.
Variant type: single nucleotide variant.
Coding change: c.6846G>A on transcript NM_000094.4 (MANE Select); coding-DNA position 6846, G replaced by A.
Protein change: p.Leu2282=; no amino-acid change (leucine 2282 retained).
Molecular consequence: synonymous variant.
Genome position (GRCh38, 1-based): chr3:48,572,725, C>T on the plus strand (G>A on the coding strand, the complement: COL7A1 is on the minus strand). VCF-style: chr3-48572725-C-T. GRCh37 (hg19) VCF-style: chr3-48610158-C-T.
Identifiers: ClinVar variation 5004097 (VCV005004097.1).

ClinVar aggregate classification (germline): Uncertain significance (1 of 4 stars; one submission).

Conditions:
Recessive dystrophic epidermolysis bullosa (RDEB). Also called: epidermolysis bullosa dystrophica, autosomal recessive; Epidermolysis Bullosa Distrophica Autosomal Recessive (RDEB); DYSTROPHIC EPIDERMOLYSIS BULLOSA, AUTOSOMAL RECESSIVE; EPIDERMOLYSIS BULLOSA DYSTROPHICA, HALLOPEAU-SIEMENS TYPE; Recessive DEB (RDEB); Hallopeau-Siemens Disease. Identifiers: Orphanet 79408, Orphanet 79409, MedGen C0079474, MONDO:0009179, OMIM 226600.

gnomAD v4.1: 1 of 1,609,588 alleles (0.000062%); highest among the groups gnomAD compares: Non-Finnish European, 0.000085%; no homozygotes.

Submission:

Myriad Genetics, Inc.
Classification: Uncertain significance for Recessive dystrophic epidermolysis bullosa. Last evaluated: 2025-11-18. Review status: criteria provided, single submitter. Criteria: Myriad Autosomal Dominant, Autosomal Recessive and X-Linked Classification Criteria (2023). Collection method: clinical testing. Allele origin: unknown.
Comment: NM_000094.3(COL7A1):c.6846G>A(aka L2282=) is a silent variant classified as a variant of uncertain significance in the context of dystrophic epidermolysis bullosa. L2282= has not been observed in cases with relevant disease. Relevant functional assessments of this variant are not available in the literature. L2282= has not been observed in referenced population frequency databases. In summary, there is insufficient evidence to classify NM_000094.3(COL7A1):c.6846G>A(aka L2282=) as pathogenic or benign. Please note: this variant was assessed in the context of healthy population screening.